The following is an entry in ClinVar:

NM_000135.4(FANCA):c.4010G>A (p.Ser1337Asn)

Genes: FANCA (FA complementation group A; minus strand), ZNF276 (zinc finger protein 276; plus strand). Cytogenetic location: 16q24.3.
Variant type: single nucleotide variant.
Coding change: c.4010G>A on transcript NM_000135.4 (MANE Select); coding-DNA position 4010, G replaced by A.
Protein change: p.Ser1337Asn; replaces serine 1337 with asparagine.
Molecular consequence: missense variant. On other transcripts: 3 prime UTR variant (2), non-coding transcript variant (4).
Genome position (GRCh38, 1-based): chr16:89,739,478, C>T on the plus strand (G>A on the coding strand, the complement: FANCA is on the minus strand). VCF-style: chr16-89739478-C-T. GRCh37 (hg19) VCF-style: chr16-89805886-C-T.
Other names: c.4010G>A, p.Ser1337Asn (NM_001286167.3); c.*1232C>T (NM_001113525.2, NM_152287.4); short protein forms S1337N.
Identifiers: ClinVar variation 974061 (VCV000974061.1), dbSNP rs2062067864, ClinGen allele CA397484733.

ClinVar aggregate classification (germline): Uncertain significance (0 of 4 stars; one submission).

Conditions:
Fanconi anemia complementation group A (FANCA). Also called: Fanconi anemia, group A; FANCA-Related Fanconi Anemia. Identifiers: Orphanet 84, MedGen C3469521, MONDO:0009215, OMIM 227650.

Allele frequency attached by ClinVar (database versions not stated): gnomAD exomes below 0.00001.
gnomAD v4.1: 1 of 1,551,346 alleles (0.000064%); highest among the groups gnomAD compares: Non-Finnish European, 0.000087%; no homozygotes.

Submission:

Leiden Open Variation Database
Classification: Uncertain significance for Fanconi anemia complementation group A. Last evaluated: 2020-02-28. Review status: no assertion criteria provided. Collection method: curation. Allele origin: germline. Affected: yes.
Comment: Curator: Arleen D. Auerbach. Submitter to LOVD: Arleen D. Auerbach.